The following is an entry in ClinVar:

ClinVar aggregate classification (germline): Uncertain significance (1 of 4 stars; one submission).

Submission:

Labcorp Genetics (formerly Invitae), Labcorp
Classification: Uncertain significance. Last evaluated: 2022-07-05. Review status: criteria provided, single submitter. Criteria: Invitae Variant Classification Sherloc (09022015). Collection method: clinical testing. Allele origin: germline.
Comment: In summary, the available evidence is currently insufficient to determine the role of this variant in disease. Therefore, it has been classified as a Variant of Uncertain Significance. Algorithms developed to predict the effect of missense changes on protein structure and function (SIFT, PolyPhen-2, Align-GVGD) all suggest that this variant is likely to be tolerated. ClinVar contains an entry for this variant (Variation ID: 1380317). This variant has not been reported in the literature in individuals affected with IRF9-related conditions. This variant is not present in population databases (gnomAD no frequency). This sequence change replaces asparagine, which is neutral and polar, with aspartic acid, which is acidic and polar, at codon 165 of the IRF9 protein (p.Asn165Asp).

NM_006084.5(IRF9):c.493A>G (p.Asn165Asp)

Gene: IRF9 (interferon regulatory factor 9; plus strand). Cytogenetic location: 14q12.
Variant type: single nucleotide variant.
Coding change: c.493A>G on transcript NM_006084.5 (MANE Select); coding-DNA position 493, A replaced by G.
Protein change: p.Asn165Asp; replaces asparagine 165 with aspartic acid.
Molecular consequence: missense variant.
Genome position (GRCh38, 1-based): chr14:24,163,506, A>G. VCF-style: chr14-24163506-A-G. GRCh37 (hg19) VCF-style: chr14-24632715-A-G.
Other names: c.493A>G, p.Asn165Asp (NM_001385400.1, NM_001385401.1, NM_001385402.1); short protein forms N165D.
Identifiers: ClinVar variation 1380317 (VCV001380317.8), dbSNP rs1473792230, ClinGen allele CA389204325.
Genomic context (GRCh38, chr14:24,163,506, plus strand): 5'-GAAGAGGATGCCATGCAGAACTGCACACTCAGTCCCTCTGTGCTCCAGGACTCCCTCAAT[A>G]ATGTAAGAGATGGAGAGGGAACTGGGTGGGCCTAAGGGCAGGACAGTAACCAGAGGGAGA-3'
Protein context (NP_006075.3, residues 155-175): SPSVLQDSLN[Asn165Asp]EEEGASGGAV